The following is an entry in ClinVar:

ClinVar aggregate classification (germline): Uncertain significance (1 of 4 stars; one submission).

Conditions:
Menkes kinky-hair syndrome (MNK). Also called: Copper transport disease; Menkes Disease; Classic Menkes Disease. Identifiers: Orphanet 565, MedGen C0022716, MONDO:0010651, OMIM 309400.
X-linked distal spinal muscular atrophy type 3. Also called: ATP7A-Related Distal Motor Neuropathy; SPINAL MUSCULAR ATROPHY, DISTAL, X-LINKED RECESSIVE; NEURONOPATHY, DISTAL HEREDITARY MOTOR, X-LINKED; NEUROPATHY, DISTAL HEREDITARY MOTOR, X-LINKED. Identifiers: Orphanet 139557, MedGen C1845359, MONDO:0010338, OMIM 300489.
Cutis laxa, X-linked (OHS). Also called: EDS IX; Occipital horn syndrome. Identifiers: Orphanet 198, MedGen C0268353, MONDO:0010572, OMIM 304150.

Submission:

Labcorp Genetics (formerly Invitae), Labcorp
Classification: Uncertain significance for X-linked distal spinal muscular atrophy type 3; Cutis laxa, X-linked; Menkes kinky-hair syndrome. Last evaluated: 2021-12-06. Review status: criteria provided, single submitter. Criteria: Invitae Variant Classification Sherloc (09022015). Collection method: clinical testing. Allele origin: germline.
Comment: In summary, the available evidence is currently insufficient to determine the role of this variant in disease. Therefore, it has been classified as a Variant of Uncertain Significance. Advanced modeling of protein sequence and biophysical properties (such as structural, functional, and spatial information, amino acid conservation, physicochemical variation, residue mobility, and thermodynamic stability) performed at Invitae indicates that this missense variant is not expected to disrupt ATP7A protein function. This sequence change replaces isoleucine, which is neutral and non-polar, with phenylalanine, which is neutral and non-polar, at codon 662 of the ATP7A protein (p.Ile662Phe). This variant is not present in population databases (gnomAD no frequency). This variant has not been reported in the literature in individuals affected with ATP7A-related conditions.

NM_000052.7(ATP7A):c.1984A>T (p.Ile662Phe)

Gene: ATP7A (ATPase copper transporting alpha; plus strand). Cytogenetic location: Xq21.1.
Variant type: single nucleotide variant.
Coding change: c.1984A>T on transcript NM_000052.7 (MANE Select); coding-DNA position 1984, A replaced by T.
Protein change: p.Ile662Phe; replaces isoleucine 662 with phenylalanine.
Molecular consequence: missense variant.
Genome position (GRCh38, 1-based): chrX:78,011,486, A>T. VCF-style: chrX-78011486-A-T. GRCh37 (hg19) VCF-style: chrX-77266983-A-T.
Other names: c.1984A>T, p.Ile662Phe (NM_001282224.2); short protein forms I662F.
Identifiers: ClinVar variation 2035302 (VCV002035302.4), dbSNP rs2522349735, ClinGen allele CA413598150.